The following is an entry in ClinVar:

NM_000179.3(MSH6):c.930T>C (p.Leu310=)

Gene: MSH6 (mutS homolog 6; plus strand). Cytogenetic location: 2p16.3.
Variant type: single nucleotide variant.
Coding change: c.930T>C on transcript NM_000179.3 (MANE Select); coding-DNA position 930, T replaced by C.
Protein change: p.Leu310=; no amino-acid change (leucine 310 retained).
Molecular consequence: synonymous variant.
Genome position (GRCh38, 1-based): chr2:47,798,913, T>C. VCF-style: chr2-47798913-T-C. GRCh37 (hg19) VCF-style: chr2-48026052-T-C.
Other names: c.540T>C, p.Leu180= (NM_001281492.2); c.24T>C, p.Leu8= (NM_001281493.2, NM_001281494.2).
Identifiers: ClinVar variation 1097834 (VCV001097834.10), dbSNP rs1456412042, ClinGen allele CA426121057.
Genomic context (GRCh38, chr2:47,798,913, plus strand): 5'-GAACAGCCCTGTCAAAGTTGCTCGAAAGCGGAAGAGAATGGTGACTGGAAATGGCTCTCT[T>C]AAAAGGAAAAGCTCTAGGAAGGAAACGCCCTCAGCCACCAAACAAGCAACTAGCATTTCA-3'
Protein context (NP_000170.1, residues 300-320): RKRMVTGNGS[Leu310=]KRKSSRKETP

ClinVar aggregate classification (germline): Benign/Likely benign. Review status: criteria provided, multiple submitters, no conflicts (2 of 4 stars). 2 submissions from 2 submitters: Benign (1); Likely benign (1). Last evaluated 2024-12-20.

Conditions:
Hereditary nonpolyposis colorectal neoplasms. Identifiers: MedGen C0009405, MeSH D003123.
Lynch syndrome 5 (LYNCH5). Also called: Colorectal cancer, hereditary nonpolyposis, type 5; Hereditary non-polyposis colorectal cancer, type 5. Identifiers: Orphanet 144, MedGen C1833477, MONDO:0013710, OMIM 614350. Disease mechanism: loss of function.

Submissions (2):

Myriad Genetics, Inc.
Classification: Benign for Lynch syndrome 5. Last evaluated: 2024-12-20. Review status: criteria provided, single submitter. Criteria: Myriad Autosomal Dominant, Autosomal Recessive and X-Linked Classification Criteria (2023). Collection method: clinical testing. Allele origin: unknown.
Comment: This variant is considered benign. This variant is a silent/synonymous amino acid change and it is not expected to impact splicing.

Labcorp Genetics (formerly Invitae), Labcorp
Classification: Likely benign for Hereditary nonpolyposis colorectal neoplasms. Last evaluated: 2020-02-03. Review status: criteria provided, single submitter. Criteria: Invitae Variant Classification Sherloc (09022015). Collection method: clinical testing. Allele origin: germline.